The following is an entry in ClinVar:

ClinVar aggregate classification (germline): Uncertain significance (1 of 4 stars; one submission).

Conditions:
Atrioventricular septal defect 4 (AVSD4). Identifiers: MedGen C3280781, MONDO:0013747, OMIM 614430.

Submission:

Labcorp Genetics (formerly Invitae), Labcorp
Classification: Uncertain significance for Atrioventricular septal defect 4. Last evaluated: 2025-11-18. Review status: criteria provided, single submitter. Criteria: Invitae Variant Classification Sherloc (09022015). Collection method: clinical testing. Allele origin: germline.
Comment: This sequence change replaces proline, which is neutral and non-polar, with threonine, which is neutral and polar, at codon 163 of the GATA4 protein (p.Pro163Thr). This variant is not present in population databases (gnomAD no frequency). This variant has not been reported in the literature in individuals affected with GATA4-related conditions. Invitae Evidence Modeling of protein sequence and biophysical properties (such as structural, functional, and spatial information, amino acid conservation, physicochemical variation, residue mobility, and thermodynamic stability) indicates that this missense variant is not expected to disrupt GATA4 protein function with a negative predictive value of 95%. This variant disrupts the p.Pro163 amino acid residue in GATA4. Other variant(s) that disrupt this residue have been determined to be pathogenic (PMID: 34355877, 35751412, 39285472). This suggests that this residue is clinically significant, and that variants that disrupt this residue are likely to be disease-causing. In summary, the available evidence is currently insufficient to determine the role of this variant in disease. Therefore, it has been classified as a Variant of Uncertain Significance.

Literature cited by the submitters: PubMed 34355877; PubMed 35751412; PubMed 39285472.

NM_001308093.3(GATA4):c.487C>A (p.Pro163Thr)

Gene: GATA4 (GATA binding protein 4). Cytogenetic location: 8p23.1.
Variant type: single nucleotide variant.
Coding change: c.487C>A on transcript NM_001308093.3 (MANE Select); coding-DNA position 487, C replaced by A.
Protein change: p.Pro163Thr; replaces proline 163 with threonine.
Molecular consequence: missense variant. On other transcripts: intron variant (3).
Genome position (GRCh38, 1-based): chr8:11,708,799, C>A. VCF-style: chr8-11708799-C-A. GRCh37 (hg19) VCF-style: chr8-11566308-C-A.
Other names: c.487C>A, p.Pro163Thr (NM_002052.5); c.-6+8021C>A (NM_001308094.2); c.-3+785C>A (NM_001374274.1); c.-3+4495C>A (NM_001374273.1); short protein forms P163T.
Identifiers: ClinVar variation 4709979 (VCV004709979.1).